The following is an entry in ClinVar:

NM_005215.4(DCC):c.31_91+7622del

Gene: DCC (DCC netrin 1 receptor; plus strand). Cytogenetic location: 18q21.2.
Variant type: Deletion.
Coding change: c.31_91+7622del on transcript NM_005215.4 (MANE Select); coding-DNA position 31 through 7622 bases into the intron after coding-DNA position 91, 7,683 bases deleted.
Molecular consequence: splice donor variant.
Genome position (GRCh38, 1-based): chr18:52,340,818-52,348,500, 7,683 bases deleted. GRCh37 (hg19): chr18:49,867,188-49,874,870.
Identifiers: ClinVar variation 446759 (VCV000446759.5), ClinGen allele CA658658755.

ClinVar aggregate classification (germline): Pathogenic. Review status: no assertion criteria provided (0 of 4 stars). 2 submissions from 2 submitters: Pathogenic (2). Last evaluated 2019-04-02.

Conditions:
Gaze palsy, familial horizontal, with progressive scoliosis, 2. Also called: GAZE PALSY, FAMILIAL HORIZONTAL, WITH PROGRESSIVE SCOLIOSIS 2, WITH IMPAIRED INTELLECTUAL DEVELOPMENT; DEVELOPMENTAL SPLIT-BRAIN SYNDROME. Identifiers: MedGen C4479640, MONDO:0054602, OMIM 617542.

Submissions (2):

OMIM
Classification: Pathogenic for GAZE PALSY, FAMILIAL HORIZONTAL, WITH PROGRESSIVE SCOLIOSIS 2, WITH IMPAIRED INTELLECTUAL DEVELOPMENT. Last evaluated: 2019-04-02. Review status: no assertion criteria provided. Collection method: literature only. Allele origin: germline.

Tim Yu lab, Boston Children's Hospital
Classification: Pathogenic for Developmental Split Brain Syndrome. Last evaluated: 2017-01-26. Review status: no assertion criteria provided. Collection method: research. Allele origin: inherited. Inheritance: Autosomal recessive inheritance. Affected: yes. Observed: 2 variant alleles, 2 homozygotes. Clinical features observed: Corpus callosum, agenesis of, Scoliosis, Intellectual disability, Bimanual synkinesia, Horizontal supranuclear gaze palsy.
Comment: This 7kb deletion was encountered in the homozygous state in two affected boys with split brain syndrome. RT-PCR from the proband's lymphocytes indicated that this deletion results in skipping of DCC exon 1, removing the signal peptide sequence and a portion of the first immunoglobulin domain.

Literature cited by the submitters: PubMed 28250456 (cited by OMIM and Tim Yu lab, Boston Children's Hospital).